The following is an entry in ClinVar:

NM_000337.6(SGCD):c.*7866G>A

Gene: SGCD (sarcoglycan delta; plus strand). Cytogenetic location: 5q33.3.
Variant type: single nucleotide variant.
Coding change: c.*7866G>A on transcript NM_000337.6 (MANE Select); 7866 bases downstream of the stop codon, G replaced by A.
Molecular consequence: 3 prime UTR variant.
Genome position (GRCh38, 1-based): chr5:156,767,256, G>A. VCF-style: chr5-156767256-G-A. GRCh37 (hg19) VCF-style: chr5-156194267-G-A.
Other names: c.*7866G>A (NM_001128209.2).
Identifiers: ClinVar variation 352448 (VCV000352448.6), dbSNP rs115728448, ClinGen allele CA10621066.

ClinVar aggregate classification (germline): Benign (1 of 4 stars; one submission).

Conditions:
Qualitative or quantitative defects of delta-sarcoglycan. Identifiers: Orphanet 207070, MedGen C5680806, MONDO:0016144.

Allele frequency attached by ClinVar (database versions not stated): gnomAD 0.00384 and 0.00408; TOPMed 0.00425; 1000 Genomes Project 0.00479; 1000 Genomes Project 30x 0.00515.

Submission:

Illumina Laboratory Services, Illumina
Classification: Benign for Qualitative or quantitative defects of delta-sarcoglycan. Last evaluated: 2018-01-13. Review status: criteria provided, single submitter. Criteria: ICSL Variant Classification Criteria 13 December 2019. Collection method: clinical testing. Allele origin: germline.
Comment: This variant was observed in the ICSL laboratory as part of a predisposition screen in an ostensibly healthy population. It had not been previously curated by ICSL or reported in the Human Gene Mutation Database (HGMD: prior to June 1st, 2018), and was therefore a candidate for classification through an automated scoring system. Utilizing variant allele frequency, disease prevalence and penetrance estimates, and inheritance mode, an automated score was calculated to assess if this variant is too frequent to cause the disease. Based on the score and internal cut-off values, a variant classified as benign is not then subjected to further curation. The score for this variant resulted in a classification of benign for this disease.